The following is an entry in ClinVar:

NM_001127208.3(TET2):c.2848del (p.Ala950fs)

Genes: TET2 (tet methylcytosine dioxygenase 2; plus strand), TET2-AS1 (TET2 antisense RNA 1; minus strand). Cytogenetic location: 4q24.
Variant type: Deletion.
Coding change: c.2848del on transcript NM_001127208.3 (MANE Select); coding-DNA position 2848, one base deleted (G; older notation c.2848delG).
Protein change: p.Ala950fs; shifts the reading frame from alanine 950.
Molecular consequence: frameshift variant.
Genome position (GRCh38, 1-based): chr4:105,236,790, G deleted. VCF-style (leftmost placement, unchanged base first): chr4-105236789-TG-T. GRCh37 (hg19) VCF-style: chr4-106157946-TG-T.
Other names: c.2848del, p.Ala950fs (NM_017628.4); short protein forms A950fs.
Identifiers: ClinVar variation 4727178 (VCV004727178.1).

ClinVar aggregate classification (germline): Pathogenic (1 of 4 stars; one submission).

Submission:

Labcorp Genetics (formerly Invitae), Labcorp
Classification: Pathogenic. Last evaluated: 2025-09-14. Review status: criteria provided, single submitter. Criteria: Invitae Variant Classification Sherloc (09022015). Collection method: clinical testing. Allele origin: germline.
Comment: This sequence change creates a premature translational stop signal (p.Ala950Leufs*3) in the TET2 gene. It is expected to result in an absent or disrupted protein product. Loss-of-function variants in TET2 are known to be pathogenic (PMID: 36066697). This variant is not present in population databases (gnomAD no frequency). This variant has not been reported in the literature in individuals affected with TET2-related conditions. For these reasons, this variant has been classified as Pathogenic.

Literature cited by the submitters: PubMed 36066697.